The following is an entry in ClinVar:

ClinVar aggregate classification (germline): Conflicting classifications of pathogenicity. Review status: criteria provided, conflicting classifications (1 of 4 stars). 3 submissions from 3 submitters: Uncertain significance (1); Likely benign (2). Last evaluated 2024-03-24.

Conditions:
Autosomal recessive nonsyndromic hearing loss 77. Identifiers: Orphanet 90636, MedGen C2746083, MONDO:0013119, OMIM 613079.

Allele frequency attached by ClinVar (database versions not stated): gnomAD exomes 0.00003 and 0.00004; TOPMed 0.00003; ExAC 0.00004; gnomAD 0.00004 and 0.00005; 1000 Genomes Project 30x 0.00016; 1000 Genomes Project 0.00020.
gnomAD v4.1: 61 of 1,551,712 alleles (0.0039%); highest among the groups gnomAD compares: Middle Eastern, 0.017%; no homozygotes.

Submissions (3):

Labcorp Genetics (formerly Invitae), Labcorp
Classification: Likely benign. Last evaluated: 2024-03-24. Review status: criteria provided, single submitter. Criteria: Invitae Variant Classification Sherloc (09022015). Collection method: clinical testing. Allele origin: germline.

CeGaT Center for Human Genetics Tuebingen
Classification: Likely benign. Last evaluated: 2022-08-01. Review status: criteria provided, single submitter. Criteria: CeGaT Center For Human Genetics Tuebingen Variant Classification Criteria Version 2. Collection method: clinical testing. Allele origin: germline. Affected: yes. Observed: 1 variant allele.
Comment: LOXHD1: BP4, BP7

Illumina Laboratory Services, Illumina
Classification: Uncertain significance for Autosomal recessive nonsyndromic hearing loss 77. Last evaluated: 2018-01-13. Review status: criteria provided, single submitter. Criteria: ICSL Variant Classification Criteria 13 December 2019. Collection method: clinical testing. Allele origin: germline.

NM_001384474.1(LOXHD1):c.4428G>A (p.Thr1476=)

Gene: LOXHD1 (lipoxygenase homology PLAT domains 1; minus strand). Cytogenetic location: 18q21.1.
Variant type: single nucleotide variant.
Coding change: c.4428G>A on transcript NM_001384474.1 (MANE Select); coding-DNA position 4428, G replaced by A.
Protein change: p.Thr1476=; no amino-acid change (threonine 1476 retained).
Molecular consequence: synonymous variant.
Genome position (GRCh38, 1-based): chr18:46,529,279, C>T on the plus strand (G>A on the coding strand, the complement: LOXHD1 is on the minus strand). VCF-style: chr18-46529279-C-T. GRCh37 (hg19) VCF-style: chr18-44109242-C-T.
Other names: c.1095G>A, p.Thr365= (NM_001145472.3); c.807G>A, p.Thr269= (NM_001308013.2); c.4428G>A, p.Thr1476= (NM_144612.7).
Identifiers: ClinVar variation 326841 (VCV000326841.37), dbSNP rs577112286, ClinGen allele CA8952348.